The following is an entry in ClinVar:

NM_003738.5(PTCH2):c.2776G>T (p.Ala926Ser)

Gene: PTCH2 (patched 2; minus strand). Cytogenetic location: 1p34.1.
Variant type: single nucleotide variant.
Coding change: c.2776G>T on transcript NM_003738.5 (MANE Select); coding-DNA position 2776, G replaced by T.
Protein change: p.Ala926Ser; replaces alanine 926 with serine.
Molecular consequence: missense variant.
Genome position (GRCh38, 1-based): chr1:44,826,688, C>A on the plus strand (G>T on the coding strand, the complement: PTCH2 is on the minus strand). VCF-style: chr1-44826688-C-A. GRCh37 (hg19) VCF-style: chr1-45292360-C-A.
Other names: c.2776G>T, p.Ala926Ser (NM_001166292.2); short protein forms A926S.
Identifiers: ClinVar variation 1358344 (VCV001358344.6), dbSNP rs764506722, ClinGen allele CA822889.

ClinVar aggregate classification (germline): Uncertain significance (1 of 4 stars; one submission).

Conditions:
Gorlin syndrome. Also called: Basal cell nevus syndrome; Nevoid Basal Cell Carcinoma Syndrome. Identifiers: Orphanet 377, MedGen C0004779, MONDO:0007187.

Allele frequency attached by ClinVar (database versions not stated): ExAC 0.00002; gnomAD 0.00002 and 0.00003; gnomAD exomes 0.00002; TOPMed 0.00003.
gnomAD v4.1: 35 of 1,606,610 alleles (0.0022%); highest among the groups gnomAD compares: Non-Finnish European, 0.0028%; no homozygotes.

Submission:

Labcorp Genetics (formerly Invitae), Labcorp
Classification: Uncertain significance for Gorlin syndrome. Last evaluated: 2025-04-18. Review status: criteria provided, single submitter. Criteria: Invitae Variant Classification Sherloc (09022015). Collection method: clinical testing. Allele origin: germline.
Comment: This sequence change replaces alanine, which is neutral and non-polar, with serine, which is neutral and polar, at codon 926 of the PTCH2 protein (p.Ala926Ser). This variant is present in population databases (rs764506722, gnomAD 0.003%). This variant has not been reported in the literature in individuals affected with PTCH2-related conditions. ClinVar contains an entry for this variant (Variation ID: 1358344). Invitae Evidence Modeling of protein sequence and biophysical properties (such as structural, functional, and spatial information, amino acid conservation, physicochemical variation, residue mobility, and thermodynamic stability) indicates that this missense variant is not expected to disrupt PTCH2 protein function with a negative predictive value of 80%. In summary, the available evidence is currently insufficient to determine the role of this variant in disease. Therefore, it has been classified as a Variant of Uncertain Significance.